The following is an entry in ClinVar:

NM_025000.4(DCAF17):c.705_706del (p.Leu235_Tyr236insTer)

Gene: DCAF17 (DDB1 and CUL4 associated factor 17; plus strand). Cytogenetic location: 2q31.1.
Variant type: Microsatellite.
Coding change: c.705_706del on transcript NM_025000.4 (MANE Select); coding-DNA positions 705 to 706, 2 bases deleted (CT; older notation c.705_706delCT).
Protein change: p.Leu235_Tyr236insTer.
Molecular consequence: frameshift variant. On other transcripts: non-coding transcript variant (1).
Genome position (GRCh38, 1-based): chr2:171,458,048-171,458,049, CT deleted; deleting any 2 consecutive bases within chr2:171,458,046-171,458,049 gives the same sequence; the c. name uses the placement nearest the transcript's 3' end. VCF-style (leftmost placement, unchanged base first): chr2-171458045-ACT-A. GRCh37 (hg19) VCF-style: chr2-172314555-ACT-A.
Other names: c.705_706del, p.Leu235_Tyr236insTer (NM_001164821.2).
Identifiers: ClinVar variation 2785333 (VCV002785333.3), dbSNP rs2529720789, ClinGen allele CA2661913250.
Genomic context (GRCh38, chr2:171,458,045, plus strand): 5'-TACAGATGCTACCTTGTCTCATGGAATACTGATTGTGATGTACAGCTCAGGACTGGTCAG[ACT>A]CTATAGCTTCCAAACCATCGCTGAACAGGTAGAGAAAACTGAAATTTGTCATGTTACTAT-3'

ClinVar aggregate classification (germline): Pathogenic (1 of 4 stars; one submission).

Conditions:
Woodhouse-Sakati syndrome. Also called: EXTRAPYRAMIDAL DISORDER, PROGRESSIVE, WITH PRIMARY HYPOGONADISM, MENTAL RETARDATION, AND ALOPECIA; Hypogonadism, diabetes mellitus, alopecia, mental retardation and electrocardiographic abnormalities; Hypogonadism, Alopecia, Diabetes Mellitus, Mental Retardation, and Extrapyramidal Syndrome. Identifiers: Orphanet 3464, MedGen C0342286, MONDO:0009419, OMIM 241080.

Submission:

Labcorp Genetics (formerly Invitae), Labcorp
Classification: Pathogenic for Woodhouse-Sakati syndrome. Last evaluated: 2023-12-09. Review status: criteria provided, single submitter. Criteria: Invitae Variant Classification Sherloc (09022015). Collection method: clinical testing. Allele origin: germline.
Comment: This sequence change creates a premature translational stop signal (p.Tyr236*) in the DCAF17 gene. It is expected to result in an absent or disrupted protein product. Loss-of-function variants in DCAF17 are known to be pathogenic (PMID: 19026396, 20507343). This variant is not present in population databases (gnomAD no frequency). This variant has not been reported in the literature in individuals affected with DCAF17-related conditions. For these reasons, this variant has been classified as Pathogenic.

Literature cited by the submitters: PubMed 19026396; PubMed 20507343.